The following is an entry in ClinVar:

ClinVar aggregate classification (germline): Likely benign (1 of 4 stars; one submission).

Allele frequency attached by ClinVar (database versions not stated): gnomAD exomes below 0.00001; TOPMed below 0.00001.
gnomAD v4.1: 1 of 1,613,972 alleles (0.000062%); highest among the groups gnomAD compares: Non-Finnish European, 0.000085%; no homozygotes.

Submission:

GeneDx
Classification: Likely benign. Last evaluated: 2017-10-05. Review status: criteria provided, single submitter. Criteria: GeneDx Variant Classification (06012015). Collection method: clinical testing. Allele origin: germline. Affected: yes.
Comment: This variant is considered likely benign or benign based on one or more of the following criteria: it is a conservative change, it occurs at a poorly conserved position in the protein, it is predicted to be benign by multiple in silico algorithms, and/or has population frequency not consistent with disease.

NM_004839.4(HOMER2):c.393C>T (p.Ser131=)

Gene: HOMER2 (homer scaffold protein 2; minus strand). Cytogenetic location: 15q25.2.
Variant type: single nucleotide variant.
Coding change: c.393C>T on transcript NM_004839.4 (MANE Select); coding-DNA position 393, C replaced by T.
Protein change: p.Ser131=; no amino-acid change (serine 131 retained).
Molecular consequence: synonymous variant.
Genome position (GRCh38, 1-based): chr15:82,859,130, G>A on the plus strand (C>T on the coding strand, the complement: HOMER2 is on the minus strand). VCF-style: chr15-82859130-G-A. GRCh37 (hg19) VCF-style: chr15-83527882-G-A.
Other names: c.426C>T, p.Ser142= (NM_199330.3).
Identifiers: ClinVar variation 512672 (VCV000512672.1), dbSNP rs1393123949, ClinGen allele CA491816033.